The following is an entry in ClinVar:

ClinVar aggregate classification (germline): Benign. Review status: criteria provided, multiple submitters, no conflicts (2 of 4 stars). 2 submissions from 2 submitters: Benign (2). Last evaluated 2018-06-19.

Allele frequency attached by ClinVar (database versions not stated): gnomAD exomes 0.56806; ESP Exome Variant Server 0.60534; gnomAD 0.63322 and 0.63547; TOPMed 0.63574; 1000 Genomes Project 30x 0.66490; 1000 Genomes Project 0.66554.
gnomAD v4.1: 771,622 of 1,340,360 alleles (58%); highest among the groups gnomAD compares: African/African-American, 80%; 225,404 homozygotes.

Submissions (2):

GeneDx
Classification: Benign. Last evaluated: 2018-06-19. Review status: criteria provided, single submitter. Criteria: GeneDx Variant Classification (06012015). Collection method: clinical testing. Allele origin: germline. Affected: yes.
Comment: This variant is considered likely benign or benign based on one or more of the following criteria: it is a conservative change, it occurs at a poorly conserved position in the protein, it is predicted to be benign by multiple in silico algorithms, and/or has population frequency not consistent with disease.

Breakthrough Genomics
Classification: Benign. Review status: criteria provided, single submitter. Criteria: ACMG Guidelines, 2015. Collection method: not provided. Allele origin: germline. Inheritance: Autosomal recessive inheritance. Affected: yes.

NM_002291.3(LAMB1):c.1562+58C>T

Gene: LAMB1 (laminin subunit beta 1; minus strand). Cytogenetic location: 7q31.1.
Variant type: single nucleotide variant.
Coding change: c.1562+58C>T on transcript NM_002291.3 (MANE Select); 58 bases into the intron after coding-DNA position 1562, C replaced by T.
Molecular consequence: intron variant.
Genome position (GRCh38, 1-based): chr7:107,972,934, G>A on the plus strand (C>T on the coding strand, the complement: LAMB1 is on the minus strand). VCF-style: chr7-107972934-G-A. GRCh37 (hg19) VCF-style: chr7-107613379-G-A.
Identifiers: ClinVar variation 682968 (VCV000682968.2), dbSNP rs2701034, ClinGen allele CA12679249.
Genomic context (GRCh38, chr7:107,972,934, plus strand): 5'-AGACATACAAAAAATATTTTGCATGTCTTTTTGAGAAACAACTGAATGTCACCCATTCCT[G>A]TAAGTCATGACTTTCCTGGAAGACTGAGGACAAGAGCATACGTAGAGCTCCATTTACCTG-3'